The following is an entry in ClinVar:

ClinVar aggregate classification (germline): Uncertain significance. Review status: criteria provided, multiple submitters, no conflicts (2 of 4 stars). 4 submissions from 4 submitters: Uncertain significance (3). 1 of the submissions does not count toward it. Last evaluated 2026-09-01.

Conditions:
Inborn genetic diseases. Identifiers: MedGen C0950123, MeSH D030342.

Allele frequency attached by ClinVar (database versions not stated): ESP Exome Variant Server 0.00008.
gnomAD v4.1: 81 of 1,614,004 alleles (0.005%); highest among the groups gnomAD compares: South Asian, 0.054%; no homozygotes.

Submissions (4):

CeGaT Center for Human Genetics Tuebingen
Classification: Uncertain significance. Last evaluated: 2026-09-01. Review status: criteria provided, single submitter. Criteria: CeGaT Center For Human Genetics Tuebingen Variant Classification Criteria Version 2. Collection method: clinical testing. Allele origin: germline. Affected: yes. Observed: 1 variant allele.
Comment: DNAH9: PM2

Ambry Genetics
Classification: Uncertain significance for Inborn genetic diseases. Last evaluated: 2025-08-26. Review status: criteria provided, single submitter. Criteria: Ambry Variant Classification Scheme 2023. Collection method: clinical testing. Allele origin: germline.

Labcorp Genetics (formerly Invitae), Labcorp
Classification: Uncertain significance. Last evaluated: 2021-11-02. Review status: criteria provided, single submitter. Criteria: Invitae Variant Classification Sherloc (09022015). Collection method: clinical testing. Allele origin: germline.
Comment: This sequence change replaces proline, which is neutral and non-polar, with leucine, which is neutral and non-polar, at codon 355 of the DNAH9 protein (p.Pro355Leu). This variant is present in population databases (rs373491778, gnomAD 0.03%). This variant has not been reported in the literature in individuals affected with DNAH9-related conditions. ClinVar contains an entry for this variant (Variation ID: 1050531). Algorithms developed to predict the effect of missense changes on protein structure and function are either unavailable or do not agree on the potential impact of this missense change (SIFT: "Tolerated"; PolyPhen-2: "Probably Damaging"; Align-GVGD: "Class C0"). In summary, the available evidence is currently insufficient to determine the role of this variant in disease. Therefore, it has been classified as a Variant of Uncertain Significance.

Department of Pathology and Laboratory Medicine, Sinai Health System
Classification: Uncertain significance. Review status: no assertion criteria provided. Collection method: clinical testing. Allele origin: unknown. Affected: yes. Study: The Canadian Open Genetics Repository (COGR). Not counted in ClinVar's aggregate classification.
Comment: The DNAH9 p.Pro355Leu variant was not identified in the literature nor was it identified in ClinVar. The variant was identified in dbSNP (ID: rs373491778) and in control databases in 14 of 251164 chromosomes at a frequency of 0.00005574 (Genome Aggregation Database March 6, 2019, v2.1.1). The variant was observed in the following populations: South Asian in 9 of 30616 chromosomes (freq: 0.000294), African in 1 of 16248 chromosomes (freq: 0.000062) and European (non-Finnish) in 4 of 113478 chromosomes (freq: 0.000035), but was not observed in the Latino, Ashkenazi Jewish, East Asian, European (Finnish), or Other populations. The p.Pro355 residue is conserved in mammals and computational analyses (PolyPhen-2, SIFT, AlignGVGD, BLOSUM, MutationTaster) provide inconsistent predictions regarding the impact to the protein; this information is not very predictive of pathogenicity. The variant occurs outside of the splicing consensus sequence and in silico or computational prediction software programs (SpliceSiteFinder, MaxEntScan, NNSPLICE, GeneSplicer) do not predict a difference in splicing. In summary, based on the above information the clinical significance of this variant cannot be determined with certainty at this time. This variant is classified as a variant of uncertain significance.

NM_001372.4(DNAH9):c.1064C>T (p.Pro355Leu)

Gene: DNAH9 (dynein axonemal heavy chain 9; plus strand). Cytogenetic location: 17p12.
Variant type: single nucleotide variant.
Coding change: c.1064C>T on transcript NM_001372.4 (MANE Select); coding-DNA position 1064, C replaced by T.
Protein change: p.Pro355Leu; replaces proline 355 with leucine.
Molecular consequence: missense variant.
Genome position (GRCh38, 1-based): chr17:11,617,570, C>T. VCF-style: chr17-11617570-C-T. GRCh37 (hg19) VCF-style: chr17-11520887-C-T.
Other names: c.1064C>T (NM_001372.3); short protein forms P355L.
Identifiers: ClinVar variation 1050531 (VCV001050531.7), dbSNP rs373491778, ClinGen allele CA8394749.